The following is an entry in ClinVar:

ClinVar aggregate classification (germline): Likely benign (1 of 4 stars; one submission).

Allele frequency attached by ClinVar (database versions not stated): ESP Exome Variant Server 0.00269; 1000 Genomes Project 30x 0.00297; 1000 Genomes Project 0.00300; TOPMed 0.00323; gnomAD 0.00324; ExAC 0.00405.
gnomAD v4.1: 7,263 of 1,611,696 alleles (0.45%); highest among the groups gnomAD compares: Non-Finnish European, 0.56%; 23 homozygotes.

Submission:

CeGaT Center for Human Genetics Tuebingen
Classification: Likely benign. Last evaluated: 2023-01-01. Review status: criteria provided, single submitter. Criteria: CeGaT Center For Human Genetics Tuebingen Variant Classification Criteria Version 2. Collection method: clinical testing. Allele origin: germline. Affected: yes. Observed: 1 variant allele.
Comment: ANO2: BS2

NM_001364791.2(ANO2):c.2474C>T (p.Pro825Leu)

Gene: ANO2 (anoctamin 2; minus strand). Cytogenetic location: 12p13.31.
Variant type: single nucleotide variant.
Coding change: c.2474C>T on transcript NM_001364791.2 (MANE Select); coding-DNA position 2474, C replaced by T.
Protein change: p.Pro825Leu; replaces proline 825 with leucine.
Molecular consequence: missense variant.
Genome position (GRCh38, 1-based): chr12:5,575,981, G>A on the plus strand (C>T on the coding strand, the complement: ANO2 is on the minus strand). VCF-style: chr12-5575981-G-A. GRCh37 (hg19) VCF-style: chr12-5685147-G-A.
Other names: c.2489C>T, p.Pro830Leu (NM_001278596.3); c.2477C>T, p.Pro826Leu (NM_001278597.3); short protein forms P825L, P826L, P830L.
Identifiers: ClinVar variation 2642598 (VCV002642598.24), dbSNP rs144224656, ClinGen allele CA6400291.